The following is an entry in ClinVar:

ClinVar aggregate classification (germline): Benign. Review status: criteria provided, multiple submitters, no conflicts (2 of 4 stars). 4 submissions from 4 submitters: Benign (4). Last evaluated 2026-01-27.

Conditions:
Mitochondrial complex IV deficiency, nuclear type 1 (MC4DN1). Also called: Mitochondrial complex IV deficiency; Complex 4 mitochondrial respiratory chain deficiency; Deficiency of mitochondrial respiratory chain complex4; Complex IV deficiency; COX DEFICIENCY. Identifiers: MedGen C5435656, MONDO:0700250, OMIM 220110. Disease mechanism: loss of function.

Allele frequency attached by ClinVar (database versions not stated): ESP Exome Variant Server 0.01473; 1000 Genomes Project 0.01597; TOPMed 0.01625; 1000 Genomes Project 30x 0.01671.

Submissions (4):

Labcorp Genetics (formerly Invitae), Labcorp
Classification: Benign. Last evaluated: 2026-01-27. Review status: criteria provided, single submitter. Criteria: Invitae Variant Classification Sherloc (09022015). Collection method: clinical testing. Allele origin: germline.

Illumina Laboratory Services, Illumina
Classification: Benign for Mitochondrial complex IV deficiency, nuclear type 1. Last evaluated: 2017-09-28. Review status: criteria provided, single submitter. Criteria: ICSL Variant Classification Criteria 13 December 2019. Collection method: clinical testing. Allele origin: germline.
Comment: This variant was observed as part of a predisposition screen in an ostensibly healthy population. A literature search was performed for the gene, cDNA change, and amino acid change (where applicable). No publications were found based on this search. Allele frequency data from public databases was too high to be consistent with this variant causing disease. Therefore, this variant is classified as benign.

GeneDx
Classification: Benign. Last evaluated: 2012-10-22. Review status: criteria provided, single submitter. Criteria: GeneDx Variant Classification (06012015). Collection method: clinical testing. Allele origin: germline. Affected: yes.
Comment: This variant is considered likely benign or benign based on one or more of the following criteria: it is a conservative change, it occurs at a poorly conserved position in the protein, it is predicted to be benign by multiple in silico algorithms, and/or has population frequency not consistent with disease.

Breakthrough Genomics
Classification: Benign. Review status: criteria provided, single submitter. Criteria: ACMG Guidelines, 2015. Collection method: not provided. Allele origin: germline. Inheritance: Autosomal recessive inheritance. Affected: yes.

NM_001136193.2(FASTKD2):c.991-13G>A

Gene: FASTKD2 (FAST kinase domains 2; plus strand). Cytogenetic location: 2q33.3.
Variant type: single nucleotide variant.
Coding change: c.991-13G>A on transcript NM_001136193.2 (MANE Select); 13 bases into the intron before coding-DNA position 991, G replaced by A.
Molecular consequence: intron variant.
Genome position (GRCh38, 1-based): chr2:206,771,881, G>A. VCF-style: chr2-206771881-G-A. GRCh37 (hg19) VCF-style: chr2-207636605-G-A.
Other names: c.991-13G>A (NM_001136194.2, NM_014929.4).
Identifiers: ClinVar variation 137295 (VCV000137295.14), dbSNP rs13421046, ClinGen allele CA290851.